The following is an entry in ClinVar:

Single allele

Gene: NBPF12 (NBPF member 12; plus strand). Cytogenetic location: 1q21.1.
Variant type: single nucleotide variant.
Identifiers: ClinVar variation 2639117 (VCV002639117.19), dbSNP rs1556119503, ClinGen allele CA1042831.

ClinVar aggregate classification (germline): Likely benign (1 of 4 stars; one submission).

Submission:

CeGaT Center for Human Genetics Tuebingen
Classification: Likely benign. Last evaluated: 2023-02-01. Review status: criteria provided, single submitter. Criteria: CeGaT Center For Human Genetics Tuebingen Variant Classification Criteria Version 2. Collection method: clinical testing. Allele origin: germline. Affected: yes. Observed: 1 variant allele.
Comment: NBPF12: PM2:Supporting, BP4, BP7